The following is an entry in ClinVar:

ClinVar aggregate classification (germline): Benign/Likely benign. Review status: criteria provided, multiple submitters, no conflicts (2 of 4 stars). 3 submissions from 3 submitters: Benign (1); Likely benign (1). 1 of the submissions does not count toward it. Last evaluated 2025-05-15.

Conditions:
Inborn genetic diseases. Identifiers: MedGen C0950123, MeSH D030342.

Allele frequency attached by ClinVar (database versions not stated): gnomAD exomes 0.00025 and 0.00048; TOPMed 0.00001; 1000 Genomes Project 30x 0.00156; gnomAD 0.00001 and 0.00021; 1000 Genomes Project 0.00180; ExAC 0.00058.
gnomAD v4.1: 409 of 1,614,122 alleles (0.025%); highest among the groups gnomAD compares: South Asian, 0.42%; 2 homozygotes.

Submissions (3):

Labcorp Genetics (formerly Invitae), Labcorp
Classification: Benign. Last evaluated: 2025-05-15. Review status: criteria provided, single submitter. Criteria: Invitae Variant Classification Sherloc (09022015). Collection method: clinical testing. Allele origin: germline.

Ambry Genetics
Classification: Likely benign for Inborn genetic diseases. Last evaluated: 2024-02-06. Review status: criteria provided, single submitter. Criteria: Ambry Variant Classification Scheme 2023. Collection method: clinical testing. Allele origin: germline.

Department of Pathology and Laboratory Medicine, Sinai Health System
Classification: Benign. Review status: no assertion criteria provided. Collection method: clinical testing. Allele origin: unknown. Affected: yes. Study: The Canadian Open Genetics Repository (COGR). Not counted in ClinVar's aggregate classification.
Comment: The KMT2C p.Gln3836Lys variant was not identified in the literature nor was it identified in ClinVar. The variant was identified in dbSNP (ID: rs575806970) and in control databases in 122 of 282816 chromosomes (1 homozygous) at a frequency of 0.0004314 increasing the likelihood this could be a low frequency benign variant (Genome Aggregation Database March 6, 2019, v2.1.1). The variant was observed in the following populations: South Asian in 119 of 30614 chromosomes (freq: 0.003887), Other in 2 of 7226 chromosomes (freq: 0.000277) and African in 1 of 24964 chromosomes (freq: 0.00004), but was not observed in the Latino, Ashkenazi Jewish, East Asian, European (Finnish), or European (non-Finnish) populations. The p.Gln3836 residue is conserved in mammals but not in more distantly related organisms however computational analyses (PolyPhen-2, SIFT, AlignGVGD, BLOSUM, MutationTaster) do not suggest a high likelihood of impact to the protein; this information is not predictive enough to rule out pathogenicity. The variant occurs outside of the splicing consensus sequence and in silico or computational prediction software programs (SpliceSiteFinder, MaxEntScan, NNSPLICE, GeneSplicer) do not predict a difference in splicing. In summary, based on the above information this variant meets our laboratory's criteria to be classified as benign.

NM_170606.3(KMT2C):c.11506C>A (p.Gln3836Lys)

Gene: KMT2C (lysine methyltransferase 2C; minus strand). Cytogenetic location: 7q36.1.
Variant type: single nucleotide variant.
Coding change: c.11506C>A on transcript NM_170606.3 (MANE Select); coding-DNA position 11506, C replaced by A.
Protein change: p.Gln3836Lys; replaces glutamine 3836 with lysine.
Molecular consequence: missense variant.
Genome position (GRCh38, 1-based): chr7:152,159,027, G>T on the plus strand (C>A on the coding strand, the complement: KMT2C is on the minus strand). VCF-style: chr7-152159027-G-T. GRCh37 (hg19) VCF-style: chr7-151856112-G-T.
Other names: c.11506C>A (NM_170606.2); short protein forms Q3836K.
Identifiers: ClinVar variation 1049685 (VCV001049685.4), dbSNP rs575806970, ClinGen allele CA4579078.